The following is an entry in ClinVar:

ClinVar aggregate classification (germline): Pathogenic (1 of 4 stars; one submission).

Conditions:
KBG syndrome (KBGS). Also called: ANKRD11-Related KBG Syndrome. Identifiers: Orphanet 2332, MedGen C0220687, MONDO:0007846, OMIM 148050.

Submission:

Victorian Clinical Genetics Services, Murdoch Childrens Research Institute
Classification: Pathogenic for KBG syndrome. Last evaluated: 2020-05-26. Review status: criteria provided, single submitter. Criteria: ACMG Guidelines, 2015. Collection method: clinical testing. Allele origin: germline. Inheritance: Autosomal dominant inheritance. Affected: yes.
Comment: Based on the classification scheme VCGS_Germline_v1.1.1, this variant is classified as Pathogenic. Following criteria are met: 0102 - Loss-of-function is a known mechanism of disease for this gene. (N) 0107 - This gene is known to be associated with autosomal dominant disease. (N) 0201 - Variant is predicted to cause nonsense-mediated decay (NMD) and loss of protein (exon 9 of 13). (P) 0251 - Variant is heterozygous. (N) 0301 - Variant is absent from gnomAD. (P) 0701 - Comparable variants also predicted to result in NMD, have very strong previous evidence for pathogenicity in patients with KBG syndrome (Decipher, PMID: 32222090). (P) 0807 - Variant has not previously been reported in a clinical context. (N) 0905 - No segregation evidence has been identified for this variant. (N) 1007 - No published functional evidence has been identified for this variant. (N) 1208 - Inheritance information for this variant is not currently available. (N) Legend: (P) - Pathogenic, (N) - Neutral, (B) - Benign

Literature cited by the submitters: PubMed 32222090.

NM_013275.6(ANKRD11):c.4742_4743insAT (p.Phe1583fs)

Gene: ANKRD11 (ankyrin repeat domain 11; minus strand). Cytogenetic location: 16q24.3.
Variant type: Insertion.
Coding change: c.4742_4743insAT on transcript NM_013275.6 (MANE Select); coding-DNA positions 4742 to 4743, AT inserted.
Protein change: p.Phe1583fs; shifts the reading frame from phenylalanine 1583.
Molecular consequence: frameshift variant.
Genome position: GRCh38 VCF-style: chr16-89281799-G-GAT. GRCh37 (hg19) VCF-style: chr16-89348207-G-GAT.
Other names: c.4742_4743insAT, p.Phe1583fs (NM_001256182.2, NM_001256183.2); short protein forms F1583fs.
Identifiers: ClinVar variation 1806037 (VCV001806037.1), dbSNP rs2544231298, ClinGen allele CA923726122.
Genomic context (GRCh38, chr16:89,281,799, plus strand): 5'-GTGCCGCTTGTGGCGCTCCTCGATCTCCAGGTCCTTCTGGGACAGCATCCTCTCGAAGCT[G>GAT]GTCATCATCAGGTCGCCGTCCCCCAGGAGCTTCTCCCTGGGCCTGGCGTCTTTCTTGCCT-3'